The following is an entry in ClinVar:

NM_001135649.3(FOXI3):c.222_244dup (p.Pro82fs)

Gene: FOXI3 (forkhead box I3; minus strand). Cytogenetic location: 2p11.2.
Variant type: Duplication.
Coding change: c.222_244dup on transcript NM_001135649.3 (MANE Select); coding-DNA positions 222 to 244, 23 bases duplicated (GTACCTGGGCGCTCCGCCGCCGC).
Protein change: p.Pro82fs; shifts the reading frame from proline 82.
Molecular consequence: frameshift variant.
Genome position (GRCh38, 1-based): chr2:88,452,292-88,452,314, GCGGCGGCGGAGCGCCCAGGTAC duplicated on the plus strand (GTACCTGGGCGCTCCGCCGCCGC on the coding strand, the reverse complement: FOXI3 is on the minus strand); duplicating any 23 consecutive bases within chr2:88,452,292-88,452,324 gives the same sequence; the c. name uses the placement nearest the transcript's 3' end. VCF-style (leftmost placement, unchanged base first): chr2-88452291-G-GGCGGCGGCGGAGCGCCCAGGTAC. GRCh37 (hg19) VCF-style: chr2-88751809-G-GGCGGCGGCGGAGCGCCCAGGTAC.
Other names: short protein forms P82fs.
Identifiers: ClinVar variation 2031051 (VCV002031051.4), dbSNP rs2528917398, ClinGen allele CA2580068345.

ClinVar aggregate classification (germline): Uncertain significance (1 of 4 stars; one submission).

Submission:

Labcorp Genetics (formerly Invitae), Labcorp
Classification: Uncertain significance. Last evaluated: 2022-09-17. Review status: criteria provided, single submitter. Criteria: Invitae Variant Classification Sherloc (09022015). Collection method: clinical testing. Allele origin: germline.
Comment: In summary, the available evidence is currently insufficient to determine the role of this variant in disease. Therefore, it has been classified as a Variant of Uncertain Significance. This variant has not been reported in the literature in individuals affected with FOXI3-related conditions. The frequency data for this variant in the population databases is considered unreliable, as metrics indicate insufficient coverage at this position in the gnomAD database. This sequence change creates a premature translational stop signal (p.Pro82Argfs*67) in the FOXI3 gene. It is expected to result in an absent or disrupted protein product. However, the current clinical and genetic evidence is not sufficient to establish whether loss-of-function variants in FOXI3 cause disease.